The following is an entry in ClinVar:

NM_001042492.3(NF1):c.1260+5G>T

Gene: NF1 (neurofibromin 1; plus strand). Cytogenetic location: 17q11.2.
Variant type: single nucleotide variant.
Coding change: c.1260+5G>T on transcript NM_001042492.3 (MANE Select); 5 bases into the intron after coding-DNA position 1260, G replaced by T.
Molecular consequence: intron variant.
Genome position (GRCh38, 1-based): chr17:31,201,490, G>T. VCF-style: chr17-31201490-G-T. GRCh37 (hg19) VCF-style: chr17-29528508-G-T.
Other names: c.1260+5G>T (NM_000267.4, NM_001128147.3).
Identifiers: ClinVar variation 1500759 (VCV001500759.9), dbSNP rs1060500253, ClinGen allele CA2573153599.

ClinVar aggregate classification (germline): Uncertain significance. Review status: criteria provided, multiple submitters, no conflicts (2 of 4 stars). 2 submissions from 2 submitters: Uncertain significance (2). Last evaluated 2025-04-16.

Conditions:
Neurofibromatosis, type 1 (NF1). Also called: VON RECKLINGHAUSEN DISEASE; NEUROFIBROMATOSIS, TYPE I, SOMATIC; Peripheral type neurofibromatosis; Neurofibromatosis, type I. Identifiers: Orphanet 636, MedGen C0027831, MONDO:0018975, OMIM 162200. Disease mechanism: loss of function.

Submissions (2):

Labcorp Genetics (formerly Invitae), Labcorp
Classification: Uncertain significance for Neurofibromatosis, type 1. Last evaluated: 2025-04-16. Review status: criteria provided, single submitter. Criteria: Invitae Variant Classification Sherloc (09022015). Collection method: clinical testing. Allele origin: germline.
Comment: This sequence change falls in intron 11 of the NF1 gene. It does not directly change the encoded amino acid sequence of the NF1 protein. It affects a nucleotide within the consensus splice site. This variant is not present in population databases (gnomAD no frequency). This variant has not been reported in the literature in individuals affected with NF1-related conditions. ClinVar contains an entry for this variant (Variation ID: 1500759). Variants that disrupt the consensus splice site are a relatively common cause of aberrant splicing (PMID: 17576681, 9536098). Algorithms developed to predict the effect of sequence changes on RNA splicing suggest that this variant may disrupt the consensus splice site. This variant disrupts the c.1260 nucleotide in the NF1 gene. Other variant(s) that disrupt this nucleotide have been determined to be pathogenic (PMID: 12807981, 25074460, 29483232; internal data). This suggests that this nucleotide is clinically significant, and that variants that disrupt this position are likely to be disease-causing. In summary, the available evidence is currently insufficient to determine the role of this variant in disease. Therefore, it has been classified as a Variant of Uncertain Significance.

GeneDx
Classification: Uncertain significance. Last evaluated: 2023-11-08. Review status: criteria provided, single submitter. Criteria: GeneDx Variant Classification Process June 2021. Collection method: clinical testing. Allele origin: germline. Affected: yes.
Comment: Intronic +5 splice site variant in a gene for which loss of function is a known mechanism of disease, and both splice predictors and evolutionary conservation support a deleterious effect, although in the absence of functional evidence the actual effect of this sequence change is unknown.; Not observed at significant frequency in large population cohorts (gnomAD); Has not been previously published as pathogenic or benign to our knowledge

Literature cited by the submitters: PubMed 17576681 (cited by Labcorp Genetics (formerly Invitae), Labcorp); PubMed 9536098 (cited by Labcorp Genetics (formerly Invitae), Labcorp); PubMed 12807981 (cited by Labcorp Genetics (formerly Invitae), Labcorp); PubMed 25074460 (cited by Labcorp Genetics (formerly Invitae), Labcorp); PubMed 29483232 (cited by Labcorp Genetics (formerly Invitae), Labcorp).